The following is an entry in ClinVar:

ClinVar aggregate classification (germline): Uncertain significance (1 of 4 stars; one submission).

gnomAD v4.1: 6 of 1,613,996 alleles (0.00037%); highest among the groups gnomAD compares: African/African-American, 0.0013%; no homozygotes.

Submission:

Labcorp Genetics (formerly Invitae), Labcorp
Classification: Uncertain significance. Last evaluated: 2025-04-11. Review status: criteria provided, single submitter. Criteria: Invitae Variant Classification Sherloc (09022015). Collection method: clinical testing. Allele origin: germline.
Comment: This sequence change replaces proline, which is neutral and non-polar, with leucine, which is neutral and non-polar, at codon 2357 of the KMT2A protein (p.Pro2357Leu). This variant is present in population databases (rs9332838, gnomAD 0.0009%). This variant has not been reported in the literature in individuals affected with KMT2A-related conditions. ClinVar contains an entry for this variant (Variation ID: 1422004). Invitae Evidence Modeling of protein sequence and biophysical properties (such as structural, functional, and spatial information, amino acid conservation, physicochemical variation, residue mobility, and thermodynamic stability) indicates that this missense variant is not expected to disrupt KMT2A protein function with a negative predictive value of 95%. In summary, the available evidence is currently insufficient to determine the role of this variant in disease. Therefore, it has been classified as a Variant of Uncertain Significance.

NM_001197104.2(KMT2A):c.7070C>T (p.Pro2357Leu)

Gene: KMT2A (lysine methyltransferase 2A; plus strand). Cytogenetic location: 11q23.3.
Variant type: single nucleotide variant.
Coding change: c.7070C>T on transcript NM_001197104.2 (MANE Select); coding-DNA position 7070, C replaced by T.
Protein change: p.Pro2357Leu; replaces proline 2357 with leucine.
Molecular consequence: missense variant.
Genome position (GRCh38, 1-based): chr11:118,502,962, C>T. VCF-style: chr11-118502962-C-T. GRCh37 (hg19) VCF-style: chr11-118373677-C-T.
Other names: c.7061C>T, p.Pro2354Leu (NM_005933.4); short protein forms P2357L, P2354L.
Identifiers: ClinVar variation 1422004 (VCV001422004.6), dbSNP rs9332838, ClinGen allele CA6304352.
Genomic context (GRCh38, chr11:118,502,962, plus strand): 5'-AGGTTCATAACACAACATCTAGAGAACTGAATGTTAGTAAAATCGGCTCCTTTGCTGAAC[C>T]CTCTTCAGTGTCGTTTTCTTCTAAAGAGGCCCTCTCCTTCCCACACCTCCATTTGAGAGG-3'
Protein context (NP_001184033.1, residues 2347-2367): NVSKIGSFAE[Pro2357Leu]SSVSFSSKEA